The following is an entry in ClinVar:

NM_005732.4(RAD50):c.2771A>G (p.Gln924Arg)

Gene: RAD50 (RAD50 double strand break repair protein; plus strand). Cytogenetic location: 5q31.1.
Variant type: single nucleotide variant.
Coding change: c.2771A>G on transcript NM_005732.4 (MANE Select); coding-DNA position 2771, A replaced by G.
Protein change: p.Gln924Arg; replaces glutamine 924 with arginine.
Molecular consequence: missense variant.
Genome position (GRCh38, 1-based): chr5:132,608,667, A>G. VCF-style: chr5-132608667-A-G. GRCh37 (hg19) VCF-style: chr5-131944359-A-G.
Other names: short protein forms Q924R.
Identifiers: ClinVar variation 408397 (VCV000408397.17), dbSNP rs1060501963, ClinGen allele CA16611741.

ClinVar aggregate classification (germline): Uncertain significance. Review status: criteria provided, multiple submitters, no conflicts (2 of 4 stars). 2 submissions from 2 submitters: Uncertain significance (2). Last evaluated 2024-06-23.

Conditions:
Hereditary cancer-predisposing syndrome. Also called: Hereditary Cancer Syndrome; Hereditary neoplastic syndrome; Neoplastic Syndromes, Hereditary; Tumor predisposition. Identifiers: Orphanet 140162, MedGen C0027672, MeSH D009386, MONDO:0015356.

Allele frequency attached by ClinVar (database versions not stated): TOPMed below 0.00001; gnomAD exomes 0.00001.
gnomAD v4.1: 18 of 1,600,810 alleles (0.0011%); highest among the groups gnomAD compares: Non-Finnish European, 0.0015%; no homozygotes.

Submissions (2):

Ambry Genetics
Classification: Uncertain significance for Hereditary cancer-predisposing syndrome. Last evaluated: 2024-06-23. Review status: criteria provided, single submitter. Criteria: Ambry Variant Classification Scheme 2023. Collection method: clinical testing. Allele origin: germline.
Comment: The p.Q924R variant (also known as c.2771A>G), located in coding exon 17 of the RAD50 gene, results from an A to G substitution at nucleotide position 2771. The glutamine at codon 924 is replaced by arginine, an amino acid with highly similar properties. This amino acid position is highly conserved in available vertebrate species. In addition, the in silico prediction for this alteration is inconclusive. Since supporting evidence is limited at this time, the clinical significance of this alteration remains unclear.

Labcorp Genetics (formerly Invitae), Labcorp
Classification: Uncertain significance for Hereditary cancer-predisposing syndrome. Last evaluated: 2024-05-29. Review status: criteria provided, single submitter. Criteria: Invitae Variant Classification Sherloc (09022015). Collection method: clinical testing. Allele origin: germline.
Comment: This sequence change replaces glutamine, which is neutral and polar, with arginine, which is basic and polar, at codon 924 of the RAD50 protein (p.Gln924Arg). This variant is not present in population databases (gnomAD no frequency). This variant has not been reported in the literature in individuals affected with RAD50-related conditions. ClinVar contains an entry for this variant (Variation ID: 408397). Advanced modeling of protein sequence and biophysical properties (such as structural, functional, and spatial information, amino acid conservation, physicochemical variation, residue mobility, and thermodynamic stability) performed at Invitae indicates that this missense variant is not expected to disrupt RAD50 protein function with a negative predictive value of 80%. In summary, the available evidence is currently insufficient to determine the role of this variant in disease. Therefore, it has been classified as a Variant of Uncertain Significance.